The following is an entry in ClinVar:

NM_000553.6(WRN):c.2944C>T (p.Pro982Ser)

Gene: WRN (WRN RecQ like helicase; plus strand). Cytogenetic location: 8p12.
Variant type: single nucleotide variant.
Coding change: c.2944C>T on transcript NM_000553.6 (MANE Select); coding-DNA position 2944, C replaced by T.
Protein change: p.Pro982Ser; replaces proline 982 with serine.
Molecular consequence: missense variant.
Genome position (GRCh38, 1-based): chr8:31,132,483, C>T. VCF-style: chr8-31132483-C-T. GRCh37 (hg19) VCF-style: chr8-30989999-C-T.
Other names: short protein forms P982S.
Identifiers: ClinVar variation 403999 (VCV000403999.10), dbSNP rs756832663, ClinGen allele CA4704885.

ClinVar aggregate classification (germline): Uncertain significance. Review status: criteria provided, multiple submitters, no conflicts (2 of 4 stars). 3 submissions from 3 submitters: Uncertain significance (3). Last evaluated 2025-07-07.

Conditions:
Werner syndrome (WRN). Identifiers: Orphanet 902, MedGen C0043119, MONDO:0010196, OMIM 277700.

Allele frequency attached by ClinVar (database versions not stated): gnomAD exomes 0.00001 and 0.00003; ExAC 0.00002.
gnomAD v4.1: 8 of 1,614,108 alleles (0.0005%); highest among the groups gnomAD compares: Middle Eastern, 0.017%; no homozygotes.

Submissions (3):

Labcorp Genetics (formerly Invitae), Labcorp
Classification: Uncertain significance for Werner syndrome. Last evaluated: 2025-07-07. Review status: criteria provided, single submitter. Criteria: Invitae Variant Classification Sherloc (09022015). Collection method: clinical testing. Allele origin: germline.
Comment: This sequence change replaces proline, which is neutral and non-polar, with serine, which is neutral and polar, at codon 982 of the WRN protein (p.Pro982Ser). This variant is present in population databases (rs756832663, gnomAD 0.04%). This variant has not been reported in the literature in individuals affected with WRN-related conditions. ClinVar contains an entry for this variant (Variation ID: 403999). An algorithm developed to predict the effect of missense changes on protein structure and function (PolyPhen-2) suggests that this variant is likely to be disruptive. In summary, the available evidence is currently insufficient to determine the role of this variant in disease. Therefore, it has been classified as a Variant of Uncertain Significance.

Fulgent Genetics
Classification: Uncertain significance for Werner syndrome. Last evaluated: 2024-03-07. Review status: criteria provided, single submitter. Criteria: ACMG Guidelines, 2015. Collection method: clinical testing. Allele origin: germline.

Revvity Omics, Revvity
Classification: Uncertain significance for Werner syndrome. Last evaluated: 2024-02-19. Review status: criteria provided, single submitter. Criteria: ACMG Guidelines, 2015. Collection method: clinical testing. Allele origin: germline.